The following is an entry in ClinVar:

NM_000038.6(APC):c.7711T>C (p.Ser2571Pro)

Gene: APC (APC regulator of WNT signaling pathway; plus strand). Cytogenetic location: 5q22.2.
Variant type: single nucleotide variant.
Coding change: c.7711T>C on transcript NM_000038.6 (MANE Select); coding-DNA position 7711, T replaced by C.
Protein change: p.Ser2571Pro; replaces serine 2571 with proline.
Molecular consequence: missense variant.
Genome position (GRCh38, 1-based): chr5:112,843,305, T>C. VCF-style: chr5-112843305-T-C. GRCh37 (hg19) VCF-style: chr5-112179002-T-C.
Other names: c.7711T>C, p.Ser2571Pro (NM_001127510.3, NM_001354895.2, NM_001407450.1); c.7657T>C, p.Ser2553Pro (NM_001127511.3); c.7765T>C, p.Ser2589Pro (NM_001354896.2, NM_001407447.1, NM_001407448.1 and 1 more transcripts); c.7741T>C, p.Ser2581Pro (NM_001354897.2); c.7636T>C, p.Ser2546Pro (NM_001354898.2); c.7627T>C, p.Ser2543Pro (NM_001354899.2); c.7588T>C, p.Ser2530Pro (NM_001354900.2); c.7534T>C, p.Ser2512Pro (NM_001354901.2, NM_001407453.1); and 11 more; short protein forms S2187P, S2288P, S2411P, S2442P, S2445P, S2470P, S2480P, S2488P.
Identifiers: ClinVar variation 2413101 (VCV002413101.3), dbSNP rs2149992390, ClinGen allele CA16038081.

ClinVar aggregate classification (germline): Uncertain significance (1 of 4 stars; one submission).

Submission:

GeneDx
Classification: Uncertain significance. Last evaluated: 2022-07-26. Review status: criteria provided, single submitter. Criteria: GeneDx Variant Classification Process June 2021. Collection method: clinical testing. Allele origin: germline. Affected: yes.
Comment: Not observed at significant frequency in large population cohorts (gnomAD); In silico analysis supports that this missense variant does not alter protein structure/function; Has not been previously published as pathogenic or benign to our knowledge; This variant is associated with the following publications: (PMID: 18199528)